The following is an entry in ClinVar:

NM_000969.5(RPL5):c.856A>G (p.Ser286Gly)

Genes: DIPK1A (divergent protein kinase domain 1A; minus strand), RPL5 (ribosomal protein L5; plus strand). Cytogenetic location: 1p22.1.
Variant type: single nucleotide variant.
Coding change: c.856A>G on transcript NM_000969.5 (MANE Select); coding-DNA position 856, A replaced by G.
Protein change: p.Ser286Gly; replaces serine 286 with glycine.
Molecular consequence: missense variant. On other transcripts: non-coding transcript variant (1), intron variant (1).
Genome position (GRCh38, 1-based): chr1:92,841,827, A>G. VCF-style: chr1-92841827-A-G. GRCh37 (hg19) VCF-style: chr1-93307384-A-G.
Other names: c.474+5356T>C (NM_001252273.2); short protein forms S286G.
Identifiers: ClinVar variation 2896627 (VCV002896627.3), dbSNP rs2524480600, ClinGen allele CA341244155.

ClinVar aggregate classification (germline): Uncertain significance (1 of 4 stars; one submission).

Conditions:
Diamond-Blackfan anemia. Also called: Blackfan Diamond syndrome; Aregenerative anemia chronic congenital; Red cell aplasia, pure hereditary; Congenital hypoplastic anemia; Aase syndrome. Identifiers: Orphanet 124, MedGen C1260899, MeSH D029503, MONDO:0015253, HP:0004810.

gnomAD v4.1: 2 of 1,611,888 alleles (0.00012%); highest among the groups gnomAD compares: Non-Finnish European, 0.00017%; no homozygotes.

Submission:

Labcorp Genetics (formerly Invitae), Labcorp
Classification: Uncertain significance for Diamond-Blackfan anemia. Last evaluated: 2023-11-04. Review status: criteria provided, single submitter. Criteria: Invitae Variant Classification Sherloc (09022015). Collection method: clinical testing. Allele origin: germline.
Comment: This sequence change replaces serine, which is neutral and polar, with glycine, which is neutral and non-polar, at codon 286 of the RPL5 protein (p.Ser286Gly). This variant is not present in population databases (gnomAD no frequency). This variant has not been reported in the literature in individuals affected with RPL5-related conditions. Advanced modeling of protein sequence and biophysical properties (such as structural, functional, and spatial information, amino acid conservation, physicochemical variation, residue mobility, and thermodynamic stability) performed at Invitae indicates that this missense variant is not expected to disrupt RPL5 protein function with a negative predictive value of 80%. In summary, the available evidence is currently insufficient to determine the role of this variant in disease. Therefore, it has been classified as a Variant of Uncertain Significance.